The following is an entry in ClinVar:

ClinVar aggregate classification (germline): Likely benign. Review status: criteria provided, multiple submitters, no conflicts (2 of 4 stars). 2 submissions from 2 submitters: Likely benign (2). Last evaluated 2026-01-20.

Conditions:
Frontotemporal dementia and/or amyotrophic lateral sclerosis 4. Also called: FTDALS4. Identifiers: Orphanet 275872, MedGen C4225325, MONDO:0014641, OMIM 616439.
TBK1-related disorder. Also called: TBK1-related condition.

Allele frequency attached by ClinVar (database versions not stated): ExAC 0.00007; 1000 Genomes Project 30x 0.00016; gnomAD 0.00017; 1000 Genomes Project 0.00020; TOPMed 0.00020; ESP Exome Variant Server 0.00023; gnomAD exomes 0.00004.
gnomAD v4.1: 91 of 1,613,540 alleles (0.0056%); highest among the groups gnomAD compares: African/African-American, 0.056%; no homozygotes.

Submissions (2):

Labcorp Genetics (formerly Invitae), Labcorp
Classification: Likely benign for Frontotemporal dementia and/or amyotrophic lateral sclerosis 4. Last evaluated: 2026-01-20. Review status: criteria provided, single submitter. Criteria: Invitae Variant Classification Sherloc (09022015). Collection method: clinical testing. Allele origin: germline.

PreventionGenetics, part of Exact Sciences
Classification: Likely benign for TBK1-related condition. Last evaluated: 2024-12-02. Review status: criteria provided, single submitter. Criteria: ACMG Guidelines, 2015. Collection method: clinical testing. Allele origin: germline.
Comment: This variant is classified as likely benign based on ACMG/AMP sequence variant interpretation guidelines (Richards et al. 2015 PMID: 25741868, with internal and published modifications).

NM_013254.4(TBK1):c.1151G>A (p.Arg384Gln)

Gene: TBK1 (TANK binding kinase 1; plus strand). Cytogenetic location: 12q14.2.
Variant type: single nucleotide variant.
Coding change: c.1151G>A on transcript NM_013254.4 (MANE Select); coding-DNA position 1151, G replaced by A.
Protein change: p.Arg384Gln; replaces arginine 384 with glutamine.
Molecular consequence: missense variant.
Genome position (GRCh38, 1-based): chr12:64,484,461, G>A. VCF-style: chr12-64484461-G-A. GRCh37 (hg19) VCF-style: chr12-64878241-G-A.
Other names: c.1151G>A (NM_013254.3); short protein forms R384Q.
Identifiers: ClinVar variation 2908308 (VCV002908308.4), dbSNP rs138369490, ClinGen allele CA6668978.